The following is an entry in ClinVar:

NM_016734.3(PAX5):c.104A>G (p.Asp35Gly)

Gene: PAX5 (paired box 5; minus strand). Cytogenetic location: 9p13.2.
Variant type: single nucleotide variant.
Coding change: c.104A>G on transcript NM_016734.3 (MANE Select); coding-DNA position 104, A replaced by G.
Protein change: p.Asp35Gly; replaces aspartic acid 35 with glycine.
Molecular consequence: missense variant. On other transcripts: non-coding transcript variant (2), intron variant (2).
Genome position (GRCh38, 1-based): chr9:37,020,744, T>C on the plus strand (A>G on the coding strand, the complement: PAX5 is on the minus strand). VCF-style: chr9-37020744-T-C. GRCh37 (hg19) VCF-style: chr9-37020741-T-C.
Other names: c.104A>G, p.Asp35Gly (NM_001280547.2, NM_001280548.2, NM_001280549.2 and 5 more transcripts); c.-112-5550A>G (NM_001280551.2, NM_001280556.2); short protein forms D35G.
Identifiers: ClinVar variation 3928338 (VCV003928338.1).

ClinVar aggregate classification (germline): Uncertain significance (1 of 4 stars; one submission).

Conditions:
Inborn genetic diseases. Identifiers: MedGen C0950123, MeSH D030342.

Submission:

Ambry Genetics
Classification: Uncertain significance for Inborn genetic diseases. Last evaluated: 2025-05-22. Review status: criteria provided, single submitter. Criteria: Ambry Variant Classification Scheme 2023. Collection method: clinical testing. Allele origin: germline.
Comment: The p.D35G variant (also known as c.104A>G), located in coding exon 2 of the PAX5 gene, results from an A to G substitution at nucleotide position 104. The aspartic acid at codon 35 is replaced by glycine, an amino acid with similar properties. This amino acid position is conserved. In addition, this alteration is predicted to be deleterious by in silico analysis. Based on the available evidence, the clinical significance of this variant remains unclear.